The following is an entry in ClinVar:

ClinVar aggregate classification (germline): Uncertain significance (1 of 4 stars; one submission).

gnomAD v4.1: 1 of 1,614,060 alleles (0.000062%); highest among the groups gnomAD compares: African/African-American, 0.0013%; no homozygotes.

Submission:

Ambry Genetics
Classification: Uncertain significance. Last evaluated: 2025-10-01. Review status: criteria provided, single submitter. Criteria: Ambry Variant Classification Scheme 2023. Collection method: clinical testing. Allele origin: germline.
Comment: The p.P353T variant (also known as c.1057C>A), located in coding exon 10 of the ILK gene, results from a C to A substitution at nucleotide position 1057. The proline at codon 353 is replaced by threonine, an amino acid with highly similar properties. This amino acid position is conserved. In addition, this alteration is predicted to be deleterious by in silico analysis. Based on the available evidence, the clinical significance of this variant remains unclear.

NM_004517.4(ILK):c.1057C>A (p.Pro353Thr)

Genes: ILK (integrin linked kinase; plus strand), TAF10 (TATA-box binding protein associated factor 10; minus strand). Cytogenetic location: 11p15.4.
Variant type: single nucleotide variant.
Coding change: c.1057C>A on transcript NM_004517.4 (MANE Select); coding-DNA position 1057, C replaced by A.
Protein change: p.Pro353Thr; replaces proline 353 with threonine.
Molecular consequence: missense variant. On other transcripts: 3 prime UTR variant (1).
Genome position (GRCh38, 1-based): chr11:6,610,014, C>A. VCF-style: chr11-6610014-C-A. GRCh37 (hg19) VCF-style: chr11-6631245-C-A.
Other names: c.1057C>A, p.Pro353Thr (NM_001014794.3, NM_001014795.3); c.874C>A, p.Pro292Thr (NM_001278441.2); c.655C>A, p.Pro219Thr (NM_001278442.2); c.*908G>T (NM_006284.4); short protein forms P219T, P353T, P292T.
Identifiers: ClinVar variation 4678751 (VCV004678751.1).
Genomic context (GRCh38, chr11:6,610,014, plus strand): 5'-GCCCGAATTAGCATGGCTGATGTCAAGTTCTCTTTCCAATGTCCTGGTCGCATGTATGCA[C>A]CTGCCTGGGTAGCCCCCGAAGGTGAGTGAAGTCATCATGTCGGGAGGTAAAAAAGGACCA-3'
Protein context (NP_004508.1, residues 343-363): SFQCPGRMYA[Pro353Thr]AWVAPEALQK